The following is an entry in ClinVar:

ClinVar aggregate classification (germline): Uncertain significance. Review status: criteria provided, multiple submitters, no conflicts (2 of 4 stars). 2 submissions from 2 submitters: Uncertain significance (2). Last evaluated 2025-10-29.

Conditions:
Inborn genetic diseases. Identifiers: MedGen C0950123, MeSH D030342.

Allele frequency attached by ClinVar (database versions not stated): gnomAD exomes 0.00004; ExAC 0.00006; gnomAD 0.00003.
gnomAD v4.1: 63 of 1,594,074 alleles (0.004%); highest among the groups gnomAD compares: Admixed American, 0.038%; no homozygotes.

Submissions (2):

Ambry Genetics
Classification: Uncertain significance for Inborn genetic diseases. Last evaluated: 2025-10-29. Review status: criteria provided, single submitter. Criteria: Ambry Variant Classification Scheme 2023. Collection method: clinical testing. Allele origin: germline.

Greenwood Genetic Center Diagnostic Laboratories, Greenwood Genetic Center
Classification: Uncertain significance. Last evaluated: 2025-01-24. Review status: criteria provided, single submitter. Criteria: ACMG Guidelines, 2015. Collection method: clinical testing. Allele origin: germline.
Comment: No Applicable ACMG Criteria

NM_005560.6(LAMA5):c.5503G>A (p.Ala1835Thr)

Gene: LAMA5 (laminin subunit alpha 5; minus strand). Cytogenetic location: 20q13.33.
Variant type: single nucleotide variant.
Coding change: c.5503G>A on transcript NM_005560.6 (MANE Select); coding-DNA position 5503, G replaced by A.
Protein change: p.Ala1835Thr; replaces alanine 1835 with threonine.
Molecular consequence: missense variant.
Genome position (GRCh38, 1-based): chr20:62,325,342, C>T on the plus strand (G>A on the coding strand, the complement: LAMA5 is on the minus strand). VCF-style: chr20-62325342-C-T. GRCh37 (hg19) VCF-style: chr20-60900398-C-T.
Other names: short protein forms A1835T.
Identifiers: ClinVar variation 2459528 (VCV002459528.4), dbSNP rs768937177, ClinGen allele CA9942185.